The following is an entry in ClinVar:

ClinVar aggregate classification (germline): Likely benign (1 of 4 stars; one submission).

gnomAD v4.1: 18 of 1,503,364 alleles (0.0012%); highest among the groups gnomAD compares: South Asian, 0.0027%; no homozygotes.

Submission:

CeGaT Center for Human Genetics Tuebingen
Classification: Likely benign. Last evaluated: 2023-04-01. Review status: criteria provided, single submitter. Criteria: CeGaT Center For Human Genetics Tuebingen Variant Classification Criteria Version 2. Collection method: clinical testing. Allele origin: germline. Affected: yes. Observed: 1 variant allele.
Comment: SLC14A2: BP4, BP7

NM_007163.4(SLC14A2):c.300C>T (p.Gly100=)

Gene: SLC14A2 (solute carrier family 14 member 2; plus strand). Cytogenetic location: 18q12.3.
Variant type: single nucleotide variant.
Coding change: c.300C>T on transcript NM_007163.4 (MANE Select); coding-DNA position 300, C replaced by T.
Protein change: p.Gly100=; no amino-acid change (glycine 100 retained).
Molecular consequence: synonymous variant.
Genome position (GRCh38, 1-based): chr18:45,625,832, C>T. VCF-style: chr18-45625832-C-T. GRCh37 (hg19) VCF-style: chr18-43205797-C-T.
Other names: c.300C>T, p.Gly100= (NM_001242692.2, NM_001371319.1).
Identifiers: ClinVar variation 2648696 (VCV002648696.24), dbSNP rs371087349, ClinGen allele CA8946291.
Genomic context (GRCh38, chr18:45,625,832, plus strand): 5'-TCGGGACTCAGCAGGCCAAAGGTGCATCTGCCTCTCCAAAGCAGTGGGCTACCTCACGGG[C>T]GACATGAAGGAGTACAGGATCTGGCTGAAAGGTAGGAAAATACCCTGGGGAGAGGCAGCC-3'
Protein context (NP_009094.3, residues 90-110): CLSKAVGYLT[Gly100=]DMKEYRIWLK